The following is an entry in ClinVar:

ClinVar aggregate classification (germline): not provided (0 of 4 stars; one submission).

Conditions:
Small for gestational age. Also called: Low birth weight. Identifiers: MedGen C0235991, HP:0001518.

Submission:

Institute of Molecular and Cell Biology, University of Tartu
No classification provided. Condition: Small for gestational age. Review status: no classification provided. Collection method: case-control. Allele origin: unknown. Affected: yes. Study: Kasak2014.
Comment: The study aimed to determine the contribution of copy number variants in the genetic etiology of normal and complicated pregnancies. The samples represented (i) maternal blood DNA drawn from healthy pregnant women during 1st or 2nd trimester and (ii) maternal and paternal blood DNA drawn at term pregnancy cases representing normal and complicated gestations (severe preeclampsia, PE; gestational diabetes, GD; small-for-gestational age newborn, SGA; large-for-gestational age newborn, LGA). We performed CNV calling based on genome-wide genotyping dataset (Illumina HumanOmniExpress-24-v1 BeadChip) by applying three algorithms, QuantiSNP, GADA (Genome Alteration Detection Algorithm) and CNstream in parallel. The acquired CNV calls were merged with HD-CNV (Hotspot Detector for Copy Number Variants) program and only the CNVs predicted by at least two programs, were considered in subsequent analysis.

Literature cited by the submitters: PubMed 25666259.

CM000671.1:g.30181745_30222006dup

Gene: LOC132089677 (Neanderthal introgressed variant-containing enhancer experimental_107898; plus strand). Cytogenetic location: 9p21.1.
Variant type: Duplication.
Identifiers: ClinVar variation 157144 (VCV000157144.2).